The following is an entry in ClinVar:

NM_024301.5(FKRP):c.1382C>G (p.Ala461Gly)

Gene: FKRP (fukutin related protein; plus strand). Cytogenetic location: 19q13.32.
Variant type: single nucleotide variant.
Coding change: c.1382C>G on transcript NM_024301.5 (MANE Select); coding-DNA position 1382, C replaced by G.
Protein change: p.Ala461Gly; replaces alanine 461 with glycine.
Molecular consequence: missense variant.
Genome position (GRCh38, 1-based): chr19:46,756,832, C>G. VCF-style: chr19-46756832-C-G. GRCh37 (hg19) VCF-style: chr19-47260089-C-G.
Other names: c.1382C>G, p.Ala461Gly (NM_001039885.3); short protein forms A461G.
Identifiers: ClinVar variation 1329750 (VCV001329750.2), dbSNP rs774161137, ClinGen allele CA406497253.

ClinVar aggregate classification (germline): Uncertain significance (1 of 4 stars; one submission).

gnomAD v4.1: 2 of 1,599,574 alleles (0.00013%); highest among the groups gnomAD compares: Non-Finnish European, 0.000085%; no homozygotes.

Submission:

GeneDx
Classification: Uncertain significance. Last evaluated: 2021-06-21. Review status: criteria provided, single submitter. Criteria: GeneDx Variant Classification Process June 2021. Collection method: clinical testing. Allele origin: germline. Affected: yes.
Comment: Has not been previously published as pathogenic or benign to our knowledge; Not observed at significant frequency in large population cohorts (Lek et al., 2016); In silico analysis supports that this missense variant does not alter protein structure/function; This variant is associated with the following publications: (PMID: 27535533)